The following is an entry in ClinVar:

ClinVar aggregate classification (germline): Uncertain significance. Review status: criteria provided, multiple submitters, no conflicts (2 of 4 stars). 2 submissions from 2 submitters: Uncertain significance (2). Last evaluated 2025-05-19.

Conditions:
Inborn genetic diseases. Identifiers: MedGen C0950123, MeSH D030342.
Baller-Gerold syndrome (BGS). Also called: CRANIOSYNOSTOSIS WITH RADIAL DEFECTS. Identifiers: Orphanet 1225, MedGen C0265308, MONDO:0009039, OMIM 218600.

gnomAD v4.1: 2 of 1,605,684 alleles (0.00012%); highest among the groups gnomAD compares: Admixed American, 0.0017%; no homozygotes.

Submissions (2):

Labcorp Genetics (formerly Invitae), Labcorp
Classification: Uncertain significance for Baller-Gerold syndrome. Last evaluated: 2025-05-19. Review status: criteria provided, single submitter. Criteria: Invitae Variant Classification Sherloc (09022015). Collection method: clinical testing. Allele origin: germline.
Comment: This sequence change replaces glycine, which is neutral and non-polar, with arginine, which is basic and polar, at codon 777 of the RECQL4 protein (p.Gly777Arg). This variant is not present in population databases (gnomAD no frequency). This variant has not been reported in the literature in individuals affected with RECQL4-related conditions. ClinVar contains an entry for this variant (Variation ID: 964487). Invitae Evidence Modeling of protein sequence and biophysical properties (such as structural, functional, and spatial information, amino acid conservation, physicochemical variation, residue mobility, and thermodynamic stability) indicates that this missense variant is expected to disrupt RECQL4 protein function with a positive predictive value of 80%. In summary, the available evidence is currently insufficient to determine the role of this variant in disease. Therefore, it has been classified as a Variant of Uncertain Significance.

Ambry Genetics
Classification: Uncertain significance for Inborn genetic diseases. Last evaluated: 2024-12-23. Review status: criteria provided, single submitter. Criteria: Ambry Variant Classification Scheme 2023. Collection method: clinical testing. Allele origin: germline.
Comment: The p.G777R variant (also known as c.2329G>A), located in coding exon 14 of the RECQL4 gene, results from a G to A substitution at nucleotide position 2329. The glycine at codon 777 is replaced by arginine, an amino acid with dissimilar properties. This amino acid position is conserved. In addition, this alteration is predicted to be deleterious by in silico analysis. Based on the available evidence, the clinical significance of this variant remains unclear.

NM_004260.4(RECQL4):c.2329G>A (p.Gly777Arg)

Gene: RECQL4 (RecQ like helicase 4; minus strand). Cytogenetic location: 8q24.3.
Variant type: single nucleotide variant.
Coding change: c.2329G>A on transcript NM_004260.4 (MANE Select); coding-DNA position 2329, G replaced by A.
Protein change: p.Gly777Arg; replaces glycine 777 with arginine.
Molecular consequence: missense variant.
Genome position (GRCh38, 1-based): chr8:144,513,352, C>T on the plus strand (G>A on the coding strand, the complement: RECQL4 is on the minus strand). VCF-style: chr8-144513352-C-T. GRCh37 (hg19) VCF-style: chr8-145738735-C-T.
Other names: short protein forms G777R.
Identifiers: ClinVar variation 964487 (VCV000964487.8), dbSNP rs377173936, ClinGen allele CA372678335.